The following is an entry in ClinVar:

NM_012330.4(KAT6B):c.2245del (p.Tyr749fs)

Gene: KAT6B (lysine acetyltransferase 6B; plus strand). Cytogenetic location: 10q22.2.
Variant type: Deletion.
Coding change: c.2245del on transcript NM_012330.4 (MANE Select); coding-DNA position 2245, one base deleted (T; older notation c.2245delT).
Protein change: p.Tyr749fs; shifts the reading frame from tyrosine 749.
Molecular consequence: frameshift variant. On other transcripts: intron variant (2).
Genome position (GRCh38, 1-based): chr10:74,981,800, T deleted; the last of 3 consecutive T bases (chr10:74,981,798-74,981,800); deleting any one gives the same sequence. VCF-style (leftmost placement, unchanged base first): chr10-74981797-CT-C. GRCh37 (hg19) VCF-style: chr10-76741555-CT-C.
Other names: c.1696del, p.Tyr566fs (NM_001256468.2, NM_001370138.1); c.1369del, p.Tyr457fs (NM_001256469.2, NM_001370132.1, NM_001370139.1 and 3 more transcripts); c.322del, p.Tyr108fs (NM_001370134.1); c.2245del, p.Tyr749fs (NM_001370136.1, NM_001370137.1); c.1180del, p.Tyr394fs (NM_001370143.1, NM_001370144.1); c.847-7219del (NM_001370133.1); c.193-7219del (NM_001370135.1); short protein forms Y566fs, Y749fs, Y394fs, Y457fs, Y108fs.
Identifiers: ClinVar variation 3661049 (VCV003661049.2).

ClinVar aggregate classification (germline): Uncertain significance (1 of 4 stars; one submission).

Conditions:
Genitopatellar syndrome (GTPTS). Also called: ABSENT PATELLAE, SCROTAL HYPOPLASIA, RENAL ANOMALIES, FACIAL DYSMORPHISM, AND MENTAL RETARDATION; Genitopatellar syndrome (GPS). Identifiers: Orphanet 85201, MedGen C1853566, MONDO:0011640, OMIM 606170.

Submission:

Labcorp Genetics (formerly Invitae), Labcorp
Classification: Uncertain significance for Genitopatellar syndrome. Last evaluated: 2024-07-31. Review status: criteria provided, single submitter. Criteria: Invitae Variant Classification Sherloc (09022015). Collection method: clinical testing. Allele origin: germline.
Comment: This sequence change creates a premature translational stop signal (p.Tyr749Thrfs*10) in the KAT6B gene. However, it is currently unclear if variants that occur in this region of the gene cause disease. This variant is not present in population databases (gnomAD no frequency). This variant has not been reported in the literature in individuals affected with KAT6B-related conditions. In summary, the available evidence is currently insufficient to determine the role of this variant in disease. Therefore, it has been classified as a Variant of Uncertain Significance.